The following is an entry in ClinVar:

ClinVar aggregate classification (germline): Conflicting classifications of pathogenicity. Review status: criteria provided, conflicting classifications (1 of 4 stars). 5 submissions from 5 submitters: Uncertain significance (1); Benign (1); Likely benign (3). Last evaluated 2025-11-03.

Conditions:
Collagen 6-related myopathy. Identifiers: MedGen CN117976, MONDO:0100225.
Bethlem myopathy 1A. Also called: Bethlem Muscular Dystrophy; MYOPATHY, BENIGN CONGENITAL, WITH CONTRACTURES; Bethlem myopathy 1. Identifiers: Orphanet 610, MedGen CN029274, MONDO:0024530, OMIM 158810.

Allele frequency attached by ClinVar (database versions not stated): ExAC 0.00009; gnomAD 0.00009 and 0.00011; TOPMed 0.00011; gnomAD exomes 0.00012; ESP Exome Variant Server 0.00015; 1000 Genomes Project 30x 0.00016.
gnomAD v4.1: 111 of 1,614,202 alleles (0.0069%); highest among the groups gnomAD compares: South Asian, 0.072%; 1 homozygote.

Submissions (5):

Labcorp Genetics (formerly Invitae), Labcorp
Classification: Likely benign for Bethlem myopathy 1A. Last evaluated: 2025-11-03. Review status: criteria provided, single submitter. Criteria: Invitae Variant Classification Sherloc (09022015). Collection method: clinical testing. Allele origin: germline.

Athena Diagnostics
Classification: Benign. Last evaluated: 2020-12-22. Review status: criteria provided, single submitter. Criteria: Athena Diagnostics criteria. Collection method: clinical testing. Allele origin: unknown.

GeneDx
Classification: Likely benign. Last evaluated: 2019-06-07. Review status: criteria provided, single submitter. Criteria: GeneDx Variant Classification Process June 2021. Collection method: clinical testing. Allele origin: germline. Affected: yes.
Comment: This variant is associated with the following publications: (PMID: 30564623)

Illumina Laboratory Services, Illumina
Classification: Likely benign for Collagen VI-related myopathy. Last evaluated: 2018-01-12. Review status: criteria provided, single submitter. Criteria: ICSL Variant Classification Criteria 13 December 2019. Collection method: clinical testing. Allele origin: germline.
Comment: This variant was observed in the ICSL laboratory as part of a predisposition screen in an ostensibly healthy population. It had not been previously curated by ICSL or reported in the Human Gene Mutation Database (HGMD: prior to June 1st, 2018), and was therefore a candidate for classification through an automated scoring system. Utilizing variant allele frequency, disease prevalence and penetrance estimates, and inheritance mode, an automated score was calculated to assess if this variant is too frequent to cause the disease. Based on the score and internal cut-off values, a variant classified as likely benign is not then subjected to further curation. The score for this variant resulted in a classification of likely benign for this disease.

Eurofins Ntd Llc (ga)
Classification: Uncertain significance. Last evaluated: 2016-01-22. Review status: criteria provided, single submitter. Criteria: EGL Classification Definitions 2015. Collection method: clinical testing. Allele origin: germline. Observed: 2 variant alleles, 2 heterozygotes.

NM_004369.4(COL6A3):c.3507C>T (p.Asn1169=)

Gene: COL6A3 (collagen type VI alpha 3 chain; minus strand). Cytogenetic location: 2q37.3.
Variant type: single nucleotide variant.
Coding change: c.3507C>T on transcript NM_004369.4 (MANE Select); coding-DNA position 3507, C replaced by T.
Protein change: p.Asn1169=; no amino-acid change (asparagine 1169 retained).
Molecular consequence: synonymous variant.
Genome position (GRCh38, 1-based): chr2:237,374,584, G>A on the plus strand (C>T on the coding strand, the complement: COL6A3 is on the minus strand). VCF-style: chr2-237374584-G-A. GRCh37 (hg19) VCF-style: chr2-238283227-G-A.
Other names: c.2286C>T, p.Asn762= (NM_057164.5); c.2889C>T, p.Asn963= (NM_057165.5, NM_057167.4); c.1686C>T, p.Asn562= (NM_057166.5).
Identifiers: ClinVar variation 285334 (VCV000285334.24), dbSNP rs138426138, ClinGen allele CA2189153.